The following is an entry in ClinVar:

NM_005876.5(SPEG):c.9062G>A (p.Arg3021Gln)

Genes: ASIC4-AS1 (ASIC4 antisense RNA 1; minus strand), SPEG (striated muscle enriched protein kinase; plus strand). Cytogenetic location: 2q35.
Variant type: single nucleotide variant.
Coding change: c.9062G>A on transcript NM_005876.5 (MANE Select); coding-DNA position 9062, G replaced by A.
Protein change: p.Arg3021Gln; replaces arginine 3021 with glutamine.
Molecular consequence: missense variant.
Genome position (GRCh38, 1-based): chr2:219,490,549, G>A. VCF-style: chr2-219490549-G-A. GRCh37 (hg19) VCF-style: chr2-220355271-G-A.
Other names: short protein forms R3021Q.
Identifiers: ClinVar variation 451544 (VCV000451544.5), dbSNP rs763796806, ClinGen allele CA2127663.
Genomic context (GRCh38, chr2:219,490,549, plus strand): 5'-CCGAGGGCAAGCGGCGGGTCCTGCAGGAGTACGAGGTGCTGCGGACCCTGCACCACGAGC[G>A]GATCATGTCCCTGCACGAGGCCTACATCACCCCTCGGTACCTCGTGCTCATTGCTGAGAG-3'
Protein context (NP_005867.3, residues 3011-3031): YEVLRTLHHE[Arg3021Gln]IMSLHEAYIT

ClinVar aggregate classification (germline): Uncertain significance. Review status: criteria provided, multiple submitters, no conflicts (2 of 4 stars). 2 submissions from 2 submitters: Uncertain significance (2). Last evaluated 2025-08-04.

Conditions:
Inborn genetic diseases. Identifiers: MedGen C0950123, MeSH D030342.

Allele frequency attached by ClinVar (database versions not stated): gnomAD exomes 0.00001 and 0.00002; ExAC 0.00002; gnomAD 0.00003; TOPMed 0.00003.
gnomAD v4.1: 40 of 1,613,630 alleles (0.0025%); highest among the groups gnomAD compares: Non-Finnish European, 0.003%; no homozygotes.

Submissions (2):

Ambry Genetics
Classification: Uncertain significance for Inborn genetic diseases. Last evaluated: 2025-08-04. Review status: criteria provided, single submitter. Criteria: Ambry Variant Classification Scheme 2023. Collection method: clinical testing. Allele origin: germline.

GeneDx
Classification: Uncertain significance. Last evaluated: 2017-08-21. Review status: criteria provided, single submitter. Criteria: GeneDx Variant Classification (06012015). Collection method: clinical testing. Allele origin: germline. Affected: yes.
Comment: The R3021Q variant in the SPEG gene has not been reported previously as a pathogenic variant, nor as a benign variant, to our knowledge. The R3021Q variant is not observed at a significant frequency in large population cohorts (Lek et al., 2016; 1000 Genomes Consortium et al., 2015; Exome Variant Server). The R3021Q variant is a semi-conservative amino acid substitution, which may impact secondary protein structure as these residues differ in some properties. This substitution occurs at a position where amino acids with similar properties to Arginine are tolerated across species. In silico analysis predicts this variant is probably damaging to the protein structure/function. We interpret R3021Q as a variant of uncertain significance.